The following is an entry in ClinVar:

ClinVar aggregate classification (germline): Uncertain significance (1 of 4 stars; one submission).

Conditions:
Inborn genetic diseases. Identifiers: MedGen C0950123, MeSH D030342.

Submission:

Ambry Genetics
Classification: Uncertain significance for Inborn genetic diseases. Last evaluated: 2025-03-29. Review status: criteria provided, single submitter. Criteria: Ambry Variant Classification Scheme 2023. Collection method: clinical testing. Allele origin: germline.
Comment: The p.A41V variant (also known as c.122C>T), located in coding exon 1 of the WT1 gene, results from a C to T substitution at nucleotide position 122. The alanine at codon 41 is replaced by valine, an amino acid with similar properties. This amino acid position is conserved. In addition, this alteration is predicted to be tolerated by in silico analysis. Based on the available evidence, the clinical significance of this variant remains unclear.

NM_024426.6(WT1):c.137C>T (p.Ala46Val)

Genes: WT1 (WT1 transcription factor; minus strand), LOC107982234 (WT1/WT1-AS bi-directional promoter region; plus strand). Cytogenetic location: 11p13.
Variant type: single nucleotide variant.
Coding change: c.137C>T on transcript NM_024426.6 (MANE Select); coding-DNA position 137, C replaced by T.
Protein change: p.Ala46Val; replaces alanine 46 with valine.
Molecular consequence: missense variant. On other transcripts: 5 prime UTR variant (4), non-coding transcript variant (2).
Genome position (GRCh38, 1-based): chr11:32,435,224, G>A on the plus strand (C>T on the coding strand, the complement: WT1 is on the minus strand). VCF-style: chr11-32435224-G-A. GRCh37 (hg19) VCF-style: chr11-32456770-G-A.
Other names: c.137C>T, p.Ala46Val (NM_000378.6, NM_001407044.1, NM_001407045.1 and 6 more transcripts); c.-83C>T (NM_001429031.1, NM_001429032.1, NM_001429033.1 and 1 more transcripts); short protein forms A46V, A41V.
Identifiers: ClinVar variation 3982434 (VCV003982434.1).